The following is an entry in ClinVar:

NM_020911.2(PLXNA4):c.2964G>A (p.Met988Ile)

Gene: PLXNA4 (plexin A4; minus strand). Cytogenetic location: 7q32.3.
Variant type: single nucleotide variant.
Coding change: c.2964G>A on transcript NM_020911.2 (MANE Select); coding-DNA position 2964, G replaced by A.
Protein change: p.Met988Ile; replaces methionine 988 with isoleucine.
Molecular consequence: missense variant.
Genome position (GRCh38, 1-based): chr7:132,187,500, C>T on the plus strand (G>A on the coding strand, the complement: PLXNA4 is on the minus strand). VCF-style: chr7-132187500-C-T. GRCh37 (hg19) VCF-style: chr7-131872259-C-T.
Other names: c.2964G>A, p.Met988Ile (NM_001393897.1); short protein forms M988I.
Identifiers: ClinVar variation 4977230 (VCV004977230.1).

ClinVar aggregate classification (germline): Uncertain significance (1 of 4 stars; one submission).

Conditions:
PLXNA4-related disorder. Also called: PLXNA4-related condition.

Submission:

PreventionGenetics, part of Exact Sciences
Classification: Uncertain significance for PLXNA4-related condition. Last evaluated: 2026-05-28. Review status: criteria provided, single submitter. Criteria: ACMG Guidelines, 2015. Collection method: clinical testing. Allele origin: germline.
Comment: The PLXNA4 c.2964G>A variant is predicted to result in the amino acid substitution p.Met988Ile. To our knowledge, this variant has not been reported in the literature. This variant is reported in 0.0039% of alleles in individuals of European (Non-Finnish) descent in gnomAD. At this time, the clinical significance of this variant is uncertain due to the absence of conclusive functional and genetic evidence.